The following is an entry in ClinVar:

NM_001329943.3(KIAA0586):c.3394A>G (p.Thr1132Ala)

Gene: KIAA0586 (KIAA0586; plus strand). Cytogenetic location: 14q23.1.
Variant type: single nucleotide variant.
Coding change: c.3394A>G on transcript NM_001329943.3 (MANE Select); coding-DNA position 3394, A replaced by G.
Protein change: p.Thr1132Ala; replaces threonine 1132 with alanine.
Molecular consequence: missense variant.
Genome position (GRCh38, 1-based): chr14:58,487,976, A>G. VCF-style: chr14-58487976-A-G. GRCh37 (hg19) VCF-style: chr14-58954694-A-G.
Other names: c.3553A>G, p.Thr1185Ala (NM_001244189.2); c.3349A>G, p.Thr1117Ala (NM_001244190.2); c.3139A>G, p.Thr1047Ala (NM_001244191.2, NM_001329945.2, NM_001364700.1 and 1 more transcripts); c.3262A>G, p.Thr1088Ala (NM_001244192.2); c.2974A>G, p.Thr992Ala (NM_001244193.2); c.3394A>G, p.Thr1132Ala (NM_001329944.2, NM_001329946.2, NM_001329947.2); c.3166A>G, p.Thr1056Ala (NM_014749.5); short protein forms T1047A, T1088A, T1132A, T1185A, T1056A, T1117A, T992A.
Identifiers: ClinVar variation 2103630 (VCV002103630.4), dbSNP rs766981800, ClinGen allele CA7206149.

ClinVar aggregate classification (germline): Uncertain significance (1 of 4 stars; one submission).

Conditions:
Joubert syndrome 23 (JBTS23). Identifiers: Orphanet 475, MedGen C4084822, MONDO:0014664, OMIM 616490.
Short-rib thoracic dysplasia 14 with polydactyly (SRTD14). Identifiers: Orphanet 397715, MedGen C4225286, MONDO:0014688, OMIM 616546.

Allele frequency attached by ClinVar (database versions not stated): gnomAD exomes below 0.00001; gnomAD 0.00001; ExAC 0.00002.
gnomAD v4.1: 7 of 1,613,360 alleles (0.00043%); highest among the groups gnomAD compares: East Asian, 0.011%; no homozygotes.

Submission:

Labcorp Genetics (formerly Invitae), Labcorp
Classification: Uncertain significance for Joubert syndrome 23; Short-rib thoracic dysplasia 14 with polydactyly. Last evaluated: 2022-05-11. Review status: criteria provided, single submitter. Criteria: Invitae Variant Classification Sherloc (09022015). Collection method: clinical testing. Allele origin: germline.
Comment: In summary, the available evidence is currently insufficient to determine the role of this variant in disease. Therefore, it has been classified as a Variant of Uncertain Significance. Algorithms developed to predict the effect of missense changes on protein structure and function (SIFT, PolyPhen-2, Align-GVGD) all suggest that this variant is likely to be tolerated. This variant has not been reported in the literature in individuals affected with KIAA0586-related conditions. This variant is present in population databases (rs766981800, gnomAD 0.02%). This sequence change replaces threonine, which is neutral and polar, with alanine, which is neutral and non-polar, at codon 1185 of the KIAA0586 protein (p.Thr1185Ala).